The following is an entry in ClinVar:

NM_004006.3(DMD):c.9938G>A (p.Cys3313Tyr)

Gene: DMD (dystrophin; minus strand). Cytogenetic location: Xp21.2.
Variant type: single nucleotide variant.
Coding change: c.9938G>A on transcript NM_004006.3 (MANE Select); coding-DNA position 9938, G replaced by A.
Protein change: p.Cys3313Tyr; replaces cysteine 3313 with tyrosine.
Molecular consequence: missense variant.
Genome position (GRCh38, 1-based): chrX:31,182,774, C>T on the plus strand (G>A on the coding strand, the complement: DMD is on the minus strand). VCF-style: chrX-31182774-C-T. GRCh37 (hg19) VCF-style: chrX-31200891-C-T.
Other names: c.9914G>A, p.Cys3305Tyr (NM_000109.4); c.9926G>A, p.Cys3309Tyr (NM_004009.3); c.9569G>A, p.Cys3190Tyr (NM_004010.3); c.5915G>A, p.Cys1972Tyr (NM_004011.4); c.5906G>A, p.Cys1969Tyr (NM_004012.4); c.2558G>A, p.Cys853Tyr (NM_004013.3, NM_004020.4, NM_004021.3 and 2 more transcripts); c.1751G>A, p.Cys584Tyr (NM_004014.3); c.734G>A, p.Cys245Tyr (NM_004015.3, NM_004016.3, NM_004017.3 and 2 more transcripts); short protein forms C3313Y, C1969Y, C245Y, C3309Y, C3305Y, C853Y, C1972Y, C3190Y.
Identifiers: ClinVar variation 287224 (VCV000287224.14), dbSNP rs886043597, ClinGen allele CA10605702.

ClinVar aggregate classification (germline): Uncertain significance. Review status: criteria provided, multiple submitters, no conflicts (2 of 4 stars). 2 submissions from 2 submitters: Uncertain significance (2). Last evaluated 2022-04-10.

Conditions:
Duchenne muscular dystrophy (DMD). Also called: Duchenne Muscular Dystrophy (DMD); MUSCULAR DYSTROPHY, PSEUDOHYPERTROPHIC PROGRESSIVE, DUCHENNE TYPE. Identifiers: Orphanet 98896, MedGen C0013264, MONDO:0010679, OMIM 310200.

Submissions (2):

Labcorp Genetics (formerly Invitae), Labcorp
Classification: Uncertain significance for Duchenne muscular dystrophy. Last evaluated: 2022-04-10. Review status: criteria provided, single submitter. Criteria: Invitae Variant Classification Sherloc (09022015). Collection method: clinical testing. Allele origin: germline.
Comment: This variant is not present in population databases (gnomAD no frequency). This missense change has been observed in individual(s) with clinical features of DMD-related conditions (PMID: 31443951, 33644936). ClinVar contains an entry for this variant (Variation ID: 287224). Algorithms developed to predict the effect of missense changes on protein structure and function (SIFT, PolyPhen-2, Align-GVGD) all suggest that this variant is likely to be disruptive. Experimental studies have shown that this missense change does not substantially affect DMD function (PMID: 14962982). This variant disrupts the p.Cys3313 amino acid residue in DMD. Other variant(s) that disrupt this residue have been determined to be pathogenic (PMID: 12632325, 24302611, 28859693; Invitae). This suggests that this residue is clinically significant, and that variants that disrupt this residue are likely to be disease-causing. In summary, the available evidence is currently insufficient to determine the role of this variant in disease. Therefore, it has been classified as a Variant of Uncertain Significance. This sequence change replaces cysteine, which is neutral and slightly polar, with tyrosine, which is neutral and polar, at codon 3313 of the DMD protein (p.Cys3313Tyr).

Eurofins Ntd Llc (ga)
Classification: Uncertain significance. Last evaluated: 2016-04-04. Review status: criteria provided, single submitter. Criteria: EGL Classification Definitions 2015. Collection method: clinical testing. Allele origin: germline. Observed: 1 variant allele, 1 hemizygote.

Literature cited by the submitters: PubMed 31443951 (cited by Labcorp Genetics (formerly Invitae), Labcorp); PubMed 33644936 (cited by Labcorp Genetics (formerly Invitae), Labcorp); PubMed 14962982 (cited by Labcorp Genetics (formerly Invitae), Labcorp); PubMed 12632325 (cited by Labcorp Genetics (formerly Invitae), Labcorp); PubMed 24302611 (cited by Labcorp Genetics (formerly Invitae), Labcorp); PubMed 28859693 (cited by Labcorp Genetics (formerly Invitae), Labcorp).